The following is an entry in ClinVar:

ClinVar aggregate classification (germline): Uncertain significance (1 of 4 stars; one submission).

gnomAD v4.1: 7 of 1,613,986 alleles (0.00043%); highest among the groups gnomAD compares: African/African-American, 0.0067%; no homozygotes.

Submission:

GeneDx
Classification: Uncertain significance. Last evaluated: 2025-06-10. Review status: criteria provided, single submitter. Criteria: GeneDx Variant Classification Process June 2021. Collection method: clinical testing. Allele origin: germline. Affected: yes.
Comment: In silico analysis suggests that this missense variant does not alter protein structure/function; Has not been previously published as pathogenic or benign to our knowledge

NM_021254.4(CFAP298):c.504T>A (p.Phe168Leu)

Genes: CFAP298 (cilia and flagella associated protein 298; minus strand), CFAP298-TCP10L (CFAP298-TCP10L readthrough; minus strand). Cytogenetic location: 21q22.11.
Variant type: single nucleotide variant.
Coding change: c.504T>A on transcript NM_021254.4 (MANE Select); coding-DNA position 504, T replaced by A.
Protein change: p.Phe168Leu; replaces phenylalanine 168 with leucine.
Molecular consequence: missense variant. On other transcripts: non-coding transcript variant (2).
Genome position (GRCh38, 1-based): chr21:32,604,155, A>T on the plus strand (T>A on the coding strand, the complement: CFAP298 is on the minus strand). VCF-style: chr21-32604155-A-T. GRCh37 (hg19) VCF-style: chr21-33976465-A-T.
Other names: c.504T>A, p.Phe168Leu (NM_001350338.2, NM_001350335.2, NM_001350336.2 and 1 more transcripts); c.207T>A, p.Phe69Leu (NM_001350334.2); short protein forms F168L, F69L.
Identifiers: ClinVar variation 4538113 (VCV004538113.1).